The following is an entry in ClinVar:

NM_014140.4(SMARCAL1):c.804G>C (p.Lys268Asn)

Gene: SMARCAL1 (SNF2 related chromatin remodeling annealing helicase 1; plus strand). Cytogenetic location: 2q35.
Variant type: single nucleotide variant.
Coding change: c.804G>C on transcript NM_014140.4 (MANE Select); coding-DNA position 804, G replaced by C.
Protein change: p.Lys268Asn; replaces lysine 268 with asparagine.
Molecular consequence: missense variant.
Genome position (GRCh38, 1-based): chr2:216,415,508, G>C. VCF-style: chr2-216415508-G-C. GRCh37 (hg19) VCF-style: chr2-217280231-G-C.
Other names: c.804G>C, p.Lys268Asn (NM_001127207.2); short protein forms K268N.
Identifiers: ClinVar variation 2115373 (VCV002115373.4), dbSNP rs1281755747, ClinGen allele CA350498083.

ClinVar aggregate classification (germline): Uncertain significance (1 of 4 stars; one submission).

Conditions:
Schimke immuno-osseous dysplasia (SIOD). Also called: Schimke Immunoosseous Dysplasia. Identifiers: Orphanet 1830, MedGen C0877024, MONDO:0009458, OMIM 242900.

Submission:

Labcorp Genetics (formerly Invitae), Labcorp
Classification: Uncertain significance for Schimke immuno-osseous dysplasia. Last evaluated: 2022-09-13. Review status: criteria provided, single submitter. Criteria: Invitae Variant Classification Sherloc (09022015). Collection method: clinical testing. Allele origin: germline.
Comment: In summary, the available evidence is currently insufficient to determine the role of this variant in disease. Therefore, it has been classified as a Variant of Uncertain Significance. Advanced modeling of protein sequence and biophysical properties (such as structural, functional, and spatial information, amino acid conservation, physicochemical variation, residue mobility, and thermodynamic stability) performed at Invitae indicates that this missense variant is not expected to disrupt SMARCAL1 protein function. This variant has not been reported in the literature in individuals affected with SMARCAL1-related conditions. This variant is not present in population databases (gnomAD no frequency). This sequence change replaces lysine, which is basic and polar, with asparagine, which is neutral and polar, at codon 268 of the SMARCAL1 protein (p.Lys268Asn).